The following is an entry in ClinVar:

ClinVar aggregate classification (germline): Pathogenic (1 of 4 stars; one submission).

Conditions:
Smith-Magenis syndrome (SMS). Also called: CHROMOSOME 17p11.2 DELETION SYNDROME. Identifiers: Orphanet 819, MedGen C0795864, MONDO:0008434, OMIM 182290.

Submission:

MGZ Medical Genetics Center
Classification: Pathogenic for Smith-Magenis syndrome. Last evaluated: 2022-05-12. Review status: criteria provided, single submitter. Criteria: ACMG Guidelines, 2015. Collection method: clinical testing. Allele origin: germline. Affected: yes. Observed: 1 variant allele.
Comment: ACMG criteria applied: PVS1, PS2, PM2_SUP

NM_030665.4(RAI1):c.1785dup (p.Arg596fs)

Gene: RAI1 (retinoic acid induced 1; plus strand). Cytogenetic location: 17p11.2.
Variant type: Duplication.
Coding change: c.1785dup on transcript NM_030665.4 (MANE Select); coding-DNA position 1785, one base duplicated (G; older notation c.1785dupG).
Protein change: p.Arg596fs; shifts the reading frame from arginine 596.
Molecular consequence: frameshift variant.
Genome position (GRCh38, 1-based): chr17:17,794,733, G duplicated. VCF-style (leftmost placement, unchanged base first): chr17-17794732-C-CG. GRCh37 (hg19) VCF-style: chr17-17698046-C-CG.
Other names: short protein forms R596fs.
Identifiers: ClinVar variation 1709995 (VCV001709995.2), dbSNP rs2508577969, ClinGen allele CA2580092731.